The following is an entry in ClinVar:

ClinVar aggregate classification (germline): Uncertain significance (1 of 4 stars; one submission).

Submission:

Labcorp Genetics (formerly Invitae), Labcorp
Classification: Uncertain significance. Last evaluated: 2021-02-23. Review status: criteria provided, single submitter. Criteria: Invitae Variant Classification Sherloc (09022015). Collection method: clinical testing. Allele origin: germline.
Comment: This sequence change replaces glycine with valine at codon 244 of the CFB protein (p.Gly244Val). The glycine residue is highly conserved and there is a moderate physicochemical difference between glycine and valine. The frequency data for this variant in the population databases is not available, as this variant may be reported as separate entries in the ExAC database. This variant has not been reported in the literature in individuals with CFB-related conditions. Algorithms developed to predict the effect of missense changes on protein structure and function are either unavailable or do not agree on the potential impact of this missense change (SIFT: "Not Available"; PolyPhen-2: "Benign"; Align-GVGD: "Not Available"). In summary, the available evidence is currently insufficient to determine the role of this variant in disease. Therefore, it has been classified as a Variant of Uncertain Significance.

NM_001710.6(CFB):c.731_732inv (p.Gly244Val)

Gene: CFB (complement factor B; plus strand). Cytogenetic location: 6p21.33.
Variant type: Inversion.
Coding change: c.731_732inv on transcript NM_001710.6 (MANE Select).
Protein change: p.Gly244Val; replaces glycine 244 with valine.
Molecular consequence: missense variant.
Genome position: GRCh38 VCF-style: chr6-31947814-GA-TC. GRCh37 (hg19) VCF-style: chr6-31915591-GA-TC.
Other names: short protein forms G244V.
Identifiers: ClinVar variation 1481789 (VCV001481789.6), ClinGen allele CA2573140252.